The following is an entry in ClinVar:

NM_000329.3(RPE65):c.1503T>G (p.Tyr501Ter)

Gene: RPE65 (retinoid isomerohydrolase RPE65; minus strand). Cytogenetic location: 1p31.3.
Variant type: single nucleotide variant.
Coding change: c.1503T>G on transcript NM_000329.3 (MANE Select); coding-DNA position 1503, T replaced by G.
Protein change: p.Tyr501Ter; replaces tyrosine 501 with a stop codon.
Molecular consequence: nonsense.
Genome position (GRCh38, 1-based): chr1:68,429,875, A>C on the plus strand (T>G on the coding strand, the complement: RPE65 is on the minus strand). VCF-style: chr1-68429875-A-C. GRCh37 (hg19) VCF-style: chr1-68895558-A-C.
Other names: NM_000329.3:c.1503T>G; c.1395T>G, p.Tyr465Ter (NM_001406853.1); c.1227T>G, p.Tyr409Ter (NM_001406856.1, NM_001406857.1); short protein forms Y409*, Y465*, Y501*.
Identifiers: ClinVar variation 3775071 (VCV003775071.1).

ClinVar aggregate classification (germline): Pathogenic (3 of 4 stars; one submission).

Conditions:
RPE65-related recessive retinopathy. Also called: Recessive RPE65 retinopathy. Identifiers: MedGen CN305526, MONDO:0100368.

Submission:

ClinGen Leber Congenital Amaurosis/early Onset Retinal Dystrophy Variant Curation Expert Panel, ClinGen
Classification: Pathogenic for RPE65-related recessive retinopathy. Last evaluated: 2025-03-27. Review status: reviewed by expert panel. Criteria: ClinGen LCAeoRD ACMG Specifications RPE65 V1.0.0. Collection method: curation. Allele origin: germline. Inheritance: Autosomal recessive inheritance.
Comment: NM_000329.3(RPE65):c.1503T>G (p.Tyr501Ter) is a nonsense variant that introduces a premature stop codon into exon 14 of 14 that is predicted not to trigger nonsense-mediated decay but rather to C-terminally truncate the protein product before position p.528, disrupting functionally critical residues required for the active site (PVS1). This variant is absent from gnomAD v4.1.0 (PM2_Supporting) and has been reported in at least 1 proband with early-onset severe retinal dystrophy who was compound heterozygous with the c.825C>A, p.Tyr275Ter variant confirmed in trans (1 point, PMID: 31273949), which was previously classified pathogenic by the ClinGen LCA/eoRD VCEP (1 total point, PM3). At least one proband harboring this variant exhibits a phenotype including congenital night blindness (0.5 pt), extinguished rod ERG responses (0.5 pt), previous exome sequencing that did not provide an alternative explanation for visual impairment (2 pt), symptomatic onset between birth and age five years (1 pt), retinal degeneration with attenuated vessels (0.5 pt), and extinguished cone ERG responses (1 pt), which together are specific for RPE65-related recessive retinopathy (5.5 points, PMID: 31273949, PP4). In summary, this variant meets the criteria to be classified as Pathogenic for RPE65-related recessive retinopathy based on the ACMG/AMP criteria applied, as specified by the ClinGen LCA/eoRD VCEP: PVS1, PM2_Supporting, PM3, PP4. (VCEP specifications version 1.0.0; date of approval 09/21/2023).